The following is an entry in ClinVar:

NM_182493.3(MYLK3):c.703G>A (p.Ala235Thr)

Gene: MYLK3 (myosin light chain kinase 3; minus strand). Cytogenetic location: 16q11.2.
Variant type: single nucleotide variant.
Coding change: c.703G>A on transcript NM_182493.3 (MANE Select); coding-DNA position 703, G replaced by A.
Protein change: p.Ala235Thr; replaces alanine 235 with threonine.
Molecular consequence: missense variant. On other transcripts: intron variant (1).
Genome position (GRCh38, 1-based): chr16:46,738,009, C>T on the plus strand (G>A on the coding strand, the complement: MYLK3 is on the minus strand). VCF-style: chr16-46738009-C-T. GRCh37 (hg19) VCF-style: chr16-46771921-C-T.
Other names: c.-23+2048G>A (NM_001308301.1); short protein forms A235T.
Identifiers: ClinVar variation 1514298 (VCV001514298.6), dbSNP rs1966879793, ClinGen allele CA395794397.
Genomic context (GRCh38, chr16:46,738,009, plus strand): 5'-TGGGTGTCTCAGGAGCCTTGGCTTCCACCTTTGTGGGCAGGGGCAGGTGGCCAGGGAATG[C>T]CTGGGCTGGGCCAGGAACACCATCTCCCTGGCCCGGTGAGACCACTGCCTGGGCGGGGTC-3'
Protein context (NP_872299.2, residues 225-245): QGDGVPGPAQ[Ala235Thr]FPGHLPLPTK

ClinVar aggregate classification (germline): Uncertain significance (1 of 4 stars; one submission).

Allele frequency attached by ClinVar (database versions not stated): gnomAD exomes below 0.00001; TOPMed below 0.00001.
gnomAD v4.1: 1 of 1,613,424 alleles (0.000062%); highest among the groups gnomAD compares: Non-Finnish European, 0.000085%; no homozygotes.

Submission:

Labcorp Genetics (formerly Invitae), Labcorp
Classification: Uncertain significance. Last evaluated: 2022-10-24. Review status: criteria provided, single submitter. Criteria: Invitae Variant Classification Sherloc (09022015). Collection method: clinical testing. Allele origin: germline.
Comment: This sequence change replaces alanine, which is neutral and non-polar, with threonine, which is neutral and polar, at codon 235 of the MYLK3 protein (p.Ala235Thr). This variant is not present in population databases (gnomAD no frequency). This variant has not been reported in the literature in individuals affected with MYLK3-related conditions. ClinVar contains an entry for this variant (Variation ID: 1514298). Algorithms developed to predict the effect of missense changes on protein structure and function (SIFT, PolyPhen-2, Align-GVGD) all suggest that this variant is likely to be tolerated. In summary, the available evidence is currently insufficient to determine the role of this variant in disease. Therefore, it has been classified as a Variant of Uncertain Significance.